The following is an entry in ClinVar:

NM_014927.5(CNKSR2):c.187C>A (p.Gln63Lys)

Gene: CNKSR2 (connector enhancer of kinase suppressor of Ras 2; plus strand). Cytogenetic location: Xp22.12.
Variant type: single nucleotide variant.
Coding change: c.187C>A on transcript NM_014927.5 (MANE Select); coding-DNA position 187, C replaced by A.
Protein change: p.Gln63Lys; replaces glutamine 63 with lysine.
Molecular consequence: missense variant.
Genome position (GRCh38, 1-based): chrX:21,426,619, C>A. VCF-style: chrX-21426619-C-A. GRCh37 (hg19) VCF-style: chrX-21444737-C-A.
Other names: c.187C>A, p.Gln63Lys (NM_001168647.3, NM_001168648.3, NM_001168649.3 and 4 more transcripts); short protein forms Q63K.
Identifiers: ClinVar variation 3766000 (VCV003766000.1).

ClinVar aggregate classification (germline): Uncertain significance (1 of 4 stars; one submission).

gnomAD v4.1: 2 of 1,205,231 alleles (0.00017%); highest among the groups gnomAD compares: African/African-American, 0.0018%; no homozygotes.

Submission:

GeneDx
Classification: Uncertain significance. Last evaluated: 2024-08-30. Review status: criteria provided, single submitter. Criteria: GeneDx Variant Classification Process June 2021. Collection method: clinical testing. Allele origin: germline. Affected: yes.
Comment: In silico analysis supports that this missense variant has a deleterious effect on protein structure/function; Has not been previously published as pathogenic or benign to our knowledge